The following is an entry in ClinVar:

ClinVar aggregate classification (germline): Benign/Likely benign. Review status: criteria provided, multiple submitters, no conflicts (2 of 4 stars). 3 submissions from 3 submitters: Benign (2); Likely benign (1). Last evaluated 2023-04-01.

Allele frequency attached by ClinVar (database versions not stated): 1000 Genomes Project 0.00300; 1000 Genomes Project 30x 0.00359; TOPMed 0.00582; ESP Exome Variant Server 0.00607.

Submissions (3):

CeGaT Center for Human Genetics Tuebingen
Classification: Likely benign. Last evaluated: 2023-04-01. Review status: criteria provided, single submitter. Criteria: CeGaT Center For Human Genetics Tuebingen Variant Classification Criteria Version 2. Collection method: clinical testing. Allele origin: germline. Affected: yes. Observed: 2 variant alleles.
Comment: GPR142: BP4, BP7, BS2

Labcorp Genetics (formerly Invitae), Labcorp
Classification: Benign. Last evaluated: 2018-06-13. Review status: criteria provided, single submitter. Criteria: Invitae Variant Classification Sherloc (09022015). Collection method: clinical testing. Allele origin: germline.

Breakthrough Genomics
Classification: Benign. Review status: criteria provided, single submitter. Criteria: ACMG Guidelines, 2015. Collection method: not provided. Allele origin: germline. Inheritance: Unknown mechanism. Affected: yes.

NM_001331076.1(GPR142):c.769C>A (p.Arg257=)

Gene: GPR142 (G protein-coupled receptor 142; plus strand). Cytogenetic location: 17q25.1.
Variant type: single nucleotide variant.
Coding change: c.769C>A on transcript NM_001331076.1 (MANE Select); coding-DNA position 769, C replaced by A.
Protein change: p.Arg257=; no amino-acid change (arginine 257 retained).
Molecular consequence: synonymous variant.
Genome position (GRCh38, 1-based): chr17:74,372,244, C>A. VCF-style: chr17-74372244-C-A. GRCh37 (hg19) VCF-style: chr17-72368383-C-A.
Other names: c.769C>A, p.Arg257= (NM_001331077.1); c.1033C>A, p.Arg345= (NM_181790.1).
Identifiers: ClinVar variation 774932 (VCV000774932.28), dbSNP rs144235997, ClinGen allele CA8747656.